The following is an entry in ClinVar:

NM_000368.5(TSC1):c.3005A>T (p.Asp1002Val)

Gene: TSC1 (TSC complex subunit 1; minus strand). Cytogenetic location: 9q34.13.
Variant type: single nucleotide variant.
Coding change: c.3005A>T on transcript NM_000368.5 (MANE Select); coding-DNA position 3005, A replaced by T.
Protein change: p.Asp1002Val; replaces aspartic acid 1002 with valine.
Molecular consequence: missense variant.
Genome position (GRCh38, 1-based): chr9:132,896,725, T>A on the plus strand (A>T on the coding strand, the complement: TSC1 is on the minus strand). VCF-style: chr9-132896725-T-A. GRCh37 (hg19) VCF-style: chr9-135772112-T-A.
Other names: c.3002A>T, p.Asp1001Val (NM_001162426.2); c.2852A>T, p.Asp951Val (NM_001162427.2); c.2642A>T, p.Asp881Val (NM_001362177.2); short protein forms D1002V, D881V, D1001V, D951V.
Identifiers: ClinVar variation 237715 (VCV000237715.27), dbSNP rs202121327, ClinGen allele CA035584.

ClinVar aggregate classification (germline): Conflicting classifications of pathogenicity. Review status: criteria provided, conflicting classifications (1 of 4 stars). 9 submissions from 8 submitters: Uncertain significance (1); Benign (2); Likely benign (6). Last evaluated 2026-01-19.

Conditions:
Hereditary cancer-predisposing syndrome. Also called: Tumor predisposition; Hereditary Cancer Syndrome; Hereditary neoplastic syndrome; Neoplastic Syndromes, Hereditary. Identifiers: Orphanet 140162, MedGen C0027672, MeSH D009386, MONDO:0015356.
Tuberous sclerosis syndrome (TSC). Also called: Tuberous Sclerosis Complex; Tuberous sclerosis. Identifiers: Orphanet 805, MedGen C0041341, MONDO:0001734.
Isolated focal cortical dysplasia type II (FCORD2). Also called: Focal cortical dysplasia type II; CORTICAL DYSPLASIA OF TAYLOR. Identifiers: Orphanet 268994, MedGen C1846385, MONDO:0011818, OMIM 607341, HP:0032051.
Tuberous sclerosis 1 (TSC1). Identifiers: Orphanet 805, MedGen C1854465, MONDO:0008612, OMIM 191100.

Allele frequency attached by ClinVar (database versions not stated): ExAC 0.00002; gnomAD 0.00003; gnomAD exomes 0.00003 and 0.00006; TOPMed 0.00003.

Submissions (9):

Labcorp Genetics (formerly Invitae), Labcorp
Classification: Benign for Tuberous sclerosis 1. Last evaluated: 2026-01-19. Review status: criteria provided, single submitter. Criteria: Invitae Variant Classification Sherloc (09022015). Collection method: clinical testing. Allele origin: germline.

All of Us Research Program, National Institutes of Health
Classification: Likely benign for Tuberous sclerosis syndrome. Last evaluated: 2023-11-02. Review status: criteria provided, single submitter. Criteria: ACMG Guidelines, 2015. Collection method: clinical testing. Allele origin: germline. Inheritance: Autosomal dominant inheritance. Observed: 11 variant alleles, 11 heterozygotes.
Comment: This study involves interpretation of variants in research participants for the purpose of population health screening. Participant phenotype was not available at the time of variant classification. Additional details can be found in publication PMID: 35346344, PMCID: PMC8962531

Color Diagnostics, LLC DBA Color Health
Classification: Likely benign for Tuberous sclerosis syndrome. Last evaluated: 2022-12-06. Review status: criteria provided, single submitter. Criteria: ACMG Guidelines, 2015. Collection method: clinical testing. Allele origin: germline.

Genome-Nilou Lab
Classification: Benign for Tuberous sclerosis 1. Last evaluated: 2021-11-07. Review status: criteria provided, single submitter. Criteria: ACMG Guidelines, 2015. Collection method: clinical testing. Allele origin: germline. Affected: no.

Sema4
Classification: Likely benign for Hereditary cancer-predisposing syndrome. Last evaluated: 2021-02-17. Review status: criteria provided, single submitter. Criteria: Sema4 Curation Guidelines. Collection method: curation. Allele origin: germline.

GeneDx
Classification: Likely benign. Last evaluated: 2019-12-26. Review status: criteria provided, single submitter. Criteria: GeneDx Variant Classification Process June 2021. Collection method: clinical testing. Allele origin: germline. Affected: yes.

Ambry Genetics
Classification: Likely benign for Hereditary cancer-predisposing syndrome. Last evaluated: 2018-06-05. Review status: criteria provided, single submitter. Criteria: Ambry Variant Classification Scheme 2023. Collection method: clinical testing. Allele origin: germline.

Illumina Laboratory Services, Illumina
Classification: Uncertain significance for Tuberous sclerosis 1. Last evaluated: 2018-01-12. Review status: criteria provided, single submitter. Criteria: ICSL Variant Classification Criteria 13 December 2019. Collection method: clinical testing. Allele origin: germline.

Illumina Laboratory Services, Illumina
Classification: Likely benign for Isolated focal cortical dysplasia type II. Last evaluated: 2018-01-12. Review status: criteria provided, single submitter. Criteria: ICSL Variant Classification Criteria 13 December 2019. Collection method: clinical testing. Allele origin: germline.
Comment: This variant was observed in the ICSL laboratory as part of a predisposition screen in an ostensibly healthy population. It had not been previously curated by ICSL or reported in the Human Gene Mutation Database (HGMD: prior to June 1st, 2018), and was therefore a candidate for classification through an automated scoring system. Utilizing variant allele frequency, disease prevalence and penetrance estimates, and inheritance mode, an automated score was calculated to assess if this variant is too frequent to cause the disease. Based on the score and internal cut-off values, a variant classified as likely benign is not then subjected to further curation. The score for this variant resulted in a classification of likely benign for this disease.